The following is an entry in ClinVar:

ClinVar aggregate classification (germline): Uncertain significance. Review status: criteria provided, multiple submitters, no conflicts (2 of 4 stars). 4 submissions from 4 submitters: Uncertain significance (4). Last evaluated 2025-04-23.

Conditions:
Hyperkalemic periodic paralysis. Also called: Familial hyperkalemic periodic paralysis; Gamstorp disease. Identifiers: Orphanet 682, MedGen C0238357, MONDO:0008224, OMIM 170500, HP:0007215.
Paramyotonia congenita of Von Eulenburg. Also called: Myotonia congenita intermittens; Von Eulenburg paramyotonia congenita; Paramyotonia Congenita; PARALYSIS PERIODICA PARAMYOTONICA; Eulenburg disease. Identifiers: Orphanet 684, MedGen C0221055, MONDO:0008195, OMIM 168300. Disease mechanism: loss of function.
Hypokalemic periodic paralysis, type 2 (HOKPP2). Identifiers: Orphanet 681, MedGen C2750061, MONDO:0013234, OMIM 613345.
Potassium-aggravated myotonia. Also called: Myotonia congenita, atypical, acetazolamide-responsive; MYOTONIA CONGENITA, ACETAZOLAMIDE-RESPONSIVE; MYOTONIA CONGENITA, ATYPICAL; SODIUM CHANNEL MUSCLE DISEASE. Identifiers: Orphanet 612, Orphanet 99734, Orphanet 99735, Orphanet 99736, MedGen C2931826, MONDO:0018959, OMIM 608390.

Allele frequency attached by ClinVar (database versions not stated): ExAC 0.00002; gnomAD 0.00002 and 0.00001; 1000 Genomes Project 30x 0.00016; gnomAD exomes 0.00002; 1000 Genomes Project 0.00020.
gnomAD v4.1: 28 of 1,613,366 alleles (0.0017%); highest among the groups gnomAD compares: South Asian, 0.0077%; no homozygotes.

Submissions (4):

GeneDx
Classification: Uncertain significance. Last evaluated: 2025-04-23. Review status: criteria provided, single submitter. Criteria: GeneDx Variant Classification Process June 2021. Collection method: clinical testing. Allele origin: germline. Affected: yes.
Comment: Not observed at significant frequency in large population cohorts (gnomAD); In silico analysis supports that this missense variant has a deleterious effect on protein structure/function; Has not been previously published as pathogenic or benign to our knowledge

Labcorp Genetics (formerly Invitae), Labcorp
Classification: Uncertain significance for Hyperkalemic periodic paralysis. Last evaluated: 2025-01-08. Review status: criteria provided, single submitter. Criteria: Invitae Variant Classification Sherloc (09022015). Collection method: clinical testing. Allele origin: germline.
Comment: This sequence change replaces glycine, which is neutral and non-polar, with arginine, which is basic and polar, at codon 1464 of the SCN4A protein (p.Gly1464Arg). This variant is present in population databases (rs150423825, gnomAD 0.006%). This variant has not been reported in the literature in individuals affected with SCN4A-related conditions. ClinVar contains an entry for this variant (Variation ID: 543813). Invitae Evidence Modeling of protein sequence and biophysical properties (such as structural, functional, and spatial information, amino acid conservation, physicochemical variation, residue mobility, and thermodynamic stability) has been performed for this missense variant. However, the output from this modeling did not meet the statistical confidence thresholds required to predict the impact of this variant on SCN4A protein function. In summary, the available evidence is currently insufficient to determine the role of this variant in disease. Therefore, it has been classified as a Variant of Uncertain Significance.

Revvity Omics, Revvity
Classification: Uncertain significance. Last evaluated: 2020-04-03. Review status: criteria provided, single submitter. Criteria: ACMG Guidelines, 2015. Collection method: clinical testing. Allele origin: germline.

Athena Diagnostics
Classification: Uncertain significance. Last evaluated: 2018-11-26. Review status: criteria provided, single submitter. Criteria: Athena Diagnostics Criteria. Collection method: clinical testing. Allele origin: germline.

NM_000334.4(SCN4A):c.4390G>A (p.Gly1464Arg)

Genes: GH-LCR (growth hormone locus control region; plus strand), SCN4A (sodium voltage-gated channel alpha subunit 4; minus strand). Cytogenetic location: 17q23.3.
Variant type: single nucleotide variant.
Coding change: c.4390G>A on transcript NM_000334.4 (MANE Select); coding-DNA position 4390, G replaced by A.
Protein change: p.Gly1464Arg; replaces glycine 1464 with arginine.
Molecular consequence: missense variant.
Genome position (GRCh38, 1-based): chr17:63,941,892, C>T on the plus strand (G>A on the coding strand, the complement: SCN4A is on the minus strand). VCF-style: chr17-63941892-C-T. GRCh37 (hg19) VCF-style: chr17-62019252-C-T.
Other names: short protein forms G1464R.
Identifiers: ClinVar variation 543813 (VCV000543813.17), dbSNP rs150423825, ClinGen allele CA8708973.